The following is an entry in ClinVar:

ClinVar aggregate classification (germline): Uncertain significance (1 of 4 stars; one submission).

Conditions:
Brachyolmia-amelogenesis imperfecta syndrome. Also called: PLATYSPONDYLY WITH AMELOGENESIS IMPERFECTA; Tooth agenesis, selective, 6; Dental anomalies and short stature. Identifiers: Orphanet 2899, MedGen C1832594, MONDO:0011018, OMIM 601216. Disease mechanism: loss of function.

Allele frequency attached by ClinVar (database versions not stated): gnomAD exomes below 0.00001.
gnomAD v4.1: 4 of 1,613,792 alleles (0.00025%); highest among the groups gnomAD compares: Non-Finnish European, 0.00034%; no homozygotes.

Submission:

Labcorp Genetics (formerly Invitae), Labcorp
Classification: Uncertain significance for Brachyolmia-amelogenesis imperfecta syndrome. Last evaluated: 2025-10-21. Review status: criteria provided, single submitter. Criteria: Invitae Variant Classification Sherloc (09022015). Collection method: clinical testing. Allele origin: germline.
Comment: This sequence change replaces asparagine, which is neutral and polar, with serine, which is neutral and polar, at codon 936 of the LTBP3 protein (p.Asn936Ser). This variant is not present in population databases (gnomAD no frequency). This variant has not been reported in the literature in individuals affected with LTBP3-related conditions. ClinVar contains an entry for this variant (Variation ID: 2725948). An algorithm developed to predict the effect of missense changes on protein structure and function (PolyPhen-2) suggests that this variant is likely to be disruptive. In summary, the available evidence is currently insufficient to determine the role of this variant in disease. Therefore, it has been classified as a Variant of Uncertain Significance.

NM_001130144.3(LTBP3):c.2807A>G (p.Asn936Ser)

Gene: LTBP3 (latent transforming growth factor beta binding protein 3; minus strand). Cytogenetic location: 11q13.1.
Variant type: single nucleotide variant.
Coding change: c.2807A>G on transcript NM_001130144.3 (MANE Select); coding-DNA position 2807, A replaced by G.
Protein change: p.Asn936Ser; replaces asparagine 936 with serine.
Molecular consequence: missense variant.
Genome position (GRCh38, 1-based): chr11:65,541,212, T>C on the plus strand (A>G on the coding strand, the complement: LTBP3 is on the minus strand). VCF-style: chr11-65541212-T-C. GRCh37 (hg19) VCF-style: chr11-65308683-T-C.
Other names: c.2456A>G, p.Asn819Ser (NM_001164266.1); c.2807A>G, p.Asn936Ser (NM_021070.4); short protein forms N936S, N819S.
Identifiers: ClinVar variation 2725948 (VCV002725948.3), dbSNP rs2496130259, ClinGen allele CA381268353.